The following is an entry in ClinVar:

ClinVar aggregate classification (germline): Uncertain significance. Review status: criteria provided, multiple submitters, no conflicts (2 of 4 stars). 3 submissions from 3 submitters: Uncertain significance (2). 1 of the submissions does not count toward it. Last evaluated 2025-06-30.

Conditions:
Bloom syndrome (BLM). Also called: Bloom-Torre-Machacek syndrome. Identifiers: Orphanet 125, MedGen C0005859, MONDO:0008876, OMIM 210900.
Hereditary cancer-predisposing syndrome. Also called: Neoplastic Syndromes, Hereditary; Hereditary Cancer Syndrome; Tumor predisposition; Hereditary neoplastic syndrome. Identifiers: Orphanet 140162, MedGen C0027672, MeSH D009386, MONDO:0015356.

Allele frequency attached by ClinVar (database versions not stated): gnomAD exomes below 0.00001; TOPMed below 0.00001; ExAC 0.00001.
gnomAD v4.1: 4 of 1,557,912 alleles (0.00026%); highest among the groups gnomAD compares: South Asian, 0.0012%; no homozygotes.

Submissions (3):

Ambry Genetics
Classification: Uncertain significance for Hereditary cancer-predisposing syndrome. Last evaluated: 2025-06-30. Review status: criteria provided, single submitter. Criteria: Ambry Variant Classification Scheme 2023. Collection method: clinical testing. Allele origin: germline.
Comment: The p.H572R variant (also known as c.1715A>G), located in coding exon 6 of the BLM gene, results from an A to G substitution at nucleotide position 1715. The histidine at codon 572 is replaced by arginine, an amino acid with highly similar properties. This amino acid position is not well conserved in available vertebrate species. In addition, this alteration is predicted to be tolerated by in silico analysis. Since supporting evidence is limited at this time, the clinical significance of this alteration remains unclear.

Labcorp Genetics (formerly Invitae), Labcorp
Classification: Uncertain significance for Bloom syndrome. Last evaluated: 2025-03-29. Review status: criteria provided, single submitter. Criteria: Invitae Variant Classification Sherloc (09022015). Collection method: clinical testing. Allele origin: germline.
Comment: This sequence change replaces histidine, which is basic and polar, with arginine, which is basic and polar, at codon 572 of the BLM protein (p.His572Arg). This variant is present in population databases (rs763355238, gnomAD 0.005%). This variant has not been reported in the literature in individuals affected with BLM-related conditions. ClinVar contains an entry for this variant (Variation ID: 998465). Invitae Evidence Modeling of protein sequence and biophysical properties (such as structural, functional, and spatial information, amino acid conservation, physicochemical variation, residue mobility, and thermodynamic stability) indicates that this missense variant is not expected to disrupt BLM protein function with a negative predictive value of 80%. In summary, the available evidence is currently insufficient to determine the role of this variant in disease. Therefore, it has been classified as a Variant of Uncertain Significance.

Natera, Inc.
Classification: Uncertain significance for Bloom syndrome. Last evaluated: 2020-09-01. Review status: no assertion criteria provided. Collection method: clinical testing. Allele origin: germline. Not counted in ClinVar's aggregate classification.

NM_000057.4(BLM):c.1715A>G (p.His572Arg)

Gene: BLM (BLM RecQ like helicase; plus strand). Cytogenetic location: 15q26.1.
Variant type: single nucleotide variant.
Coding change: c.1715A>G on transcript NM_000057.4 (MANE Select); coding-DNA position 1715, A replaced by G.
Protein change: p.His572Arg; replaces histidine 572 with arginine.
Molecular consequence: missense variant.
Genome position (GRCh38, 1-based): chr15:90,761,088, A>G. VCF-style: chr15-90761088-A-G. GRCh37 (hg19) VCF-style: chr15-91304318-A-G.
Other names: c.1715A>G, p.His572Arg (NM_001287246.2, NM_001287247.2); c.590A>G, p.His197Arg (NM_001287248.2); c.1715A>G (NM_000057.2); short protein forms H197R, H572R.
Identifiers: ClinVar variation 998465 (VCV000998465.19), dbSNP rs763355238, ClinGen allele CA7738576.